The following is an entry in ClinVar:

NM_022051.3(EGLN1):c.467T>A (p.Phe156Tyr)

Gene: EGLN1 (egl-9 family hypoxia inducible factor 1; minus strand). Cytogenetic location: 1q42.2.
Variant type: single nucleotide variant.
Coding change: c.467T>A on transcript NM_022051.3 (MANE Select); coding-DNA position 467, T replaced by A.
Protein change: p.Phe156Tyr; replaces phenylalanine 156 with tyrosine.
Molecular consequence: missense variant.
Genome position (GRCh38, 1-based): chr1:231,421,422, A>T on the plus strand (T>A on the coding strand, the complement: EGLN1 is on the minus strand). VCF-style: chr1-231421422-A-T. GRCh37 (hg19) VCF-style: chr1-231557168-A-T.
Other names: c.467T>A, p.Phe156Tyr (NM_001377260.1, NM_001377261.1); short protein forms F156Y.
Identifiers: ClinVar variation 1742390 (VCV001742390.3), dbSNP rs1287814952, ClinGen allele CA345236851.
Genomic context (GRCh38, chr1:231,421,422, plus strand): 5'-CCGGGGCTCAGCGCATCCCCGGGCGTGTTGCTTGGGGGGTACAGGTTCGCCTTCTCCTGG[A>T]ACAGCGATGAGCGGGCCGGCGGCTCCTCCTTGCCGGGCTCGGCTTCGGCAGCCACCGCCG-3'
Protein context (NP_071334.1, residues 146-166): KEEPPARSSL[Phe156Tyr]QEKANLYPPS

ClinVar aggregate classification (germline): Uncertain significance (1 of 4 stars; one submission).

Submission:

Ambry Genetics
Classification: Uncertain significance. Last evaluated: 2025-11-12. Review status: criteria provided, single submitter. Criteria: Ambry Variant Classification Scheme 2023. Collection method: clinical testing. Allele origin: germline.
Comment: The p.F156Y variant (also known as c.467T>A), located in coding exon 1 of the EGLN1 gene, results from a T to A substitution at nucleotide position 467. The phenylalanine at codon 156 is replaced by tyrosine, an amino acid with highly similar properties. This amino acid position is conserved. In addition, this alteration is predicted to be tolerated by in silico analysis. Since supporting evidence is limited at this time, the clinical significance of this alteration remains unclear.